The following is an entry in ClinVar:

ClinVar aggregate classification (germline): Pathogenic (1 of 4 stars; one submission).

Conditions:
Carnitine palmitoyltransferase II deficiency. Also called: Carnitine Palmitoyltransferase 2 Deficiency. Identifiers: Orphanet 157, MedGen C0342790, MONDO:0015515.

Submission:

Labcorp Genetics (formerly Invitae), Labcorp
Classification: Pathogenic for Carnitine palmitoyltransferase II deficiency. Last evaluated: 2019-09-30. Review status: criteria provided, single submitter. Criteria: Invitae Variant Classification Sherloc (09022015). Collection method: clinical testing. Allele origin: germline.
Comment: Loss-of-function variants in CPT2 are known to be pathogenic (PMID: 16781677, 16996287). This variant has not been reported in the literature in individuals with CPT2-related conditions. This variant is not present in population databases (ExAC no frequency). This sequence change creates a premature translational stop signal (p.Gln270*) in the CPT2 gene. It is expected to result in an absent or disrupted protein product. For these reasons, this variant has been classified as Pathogenic.

Literature cited by the submitters: PubMed 16781677; PubMed 16996287.

NM_000098.3(CPT2):c.808C>T (p.Gln270Ter)

Gene: CPT2 (carnitine palmitoyltransferase 2; plus strand). Cytogenetic location: 1p32.3.
Variant type: single nucleotide variant.
Coding change: c.808C>T on transcript NM_000098.3 (MANE Select); coding-DNA position 808, C replaced by T.
Protein change: p.Gln270Ter; replaces glutamine 270 with a stop codon.
Molecular consequence: nonsense.
Genome position (GRCh38, 1-based): chr1:53,210,482, C>T. VCF-style: chr1-53210482-C-T. GRCh37 (hg19) VCF-style: chr1-53676154-C-T.
Other names: c.808C>T, p.Gln270Ter (NM_001330589.2); short protein forms Q270*.
Identifiers: ClinVar variation 953726 (VCV000953726.7), dbSNP rs1645416037, ClinGen allele CA340393788.